The following is an entry in ClinVar:

ClinVar aggregate classification (germline): Uncertain significance (1 of 4 stars; one submission).

Conditions:
Cardiovascular phenotype. Identifiers: MedGen CN230736.

Submission:

Ambry Genetics
Classification: Uncertain significance for Cardiovascular phenotype. Last evaluated: 2025-04-12. Review status: criteria provided, single submitter. Criteria: Ambry Variant Classification Scheme 2023. Collection method: clinical testing. Allele origin: germline.
Comment: The p.E188D variant (also known as c.564A>C), located in coding exon 3 of the CBL gene, results from an A to C substitution at nucleotide position 564. The glutamic acid at codon 188 is replaced by aspartic acid, an amino acid with highly similar properties. This amino acid position is conserved. In addition, this alteration is predicted to be tolerated by in silico analysis. Based on the available evidence, the clinical significance of this variant remains unclear.

NM_005188.4(CBL):c.564A>C (p.Glu188Asp)

Gene: CBL (Cbl proto-oncogene; plus strand). Cytogenetic location: 11q23.3.
Variant type: single nucleotide variant.
Coding change: c.564A>C on transcript NM_005188.4 (MANE Select); coding-DNA position 564, A replaced by C.
Protein change: p.Glu188Asp; replaces glutamic acid 188 with aspartic acid.
Molecular consequence: missense variant.
Genome position (GRCh38, 1-based): chr11:119,271,855, A>C. VCF-style: chr11-119271855-A-C. GRCh37 (hg19) VCF-style: chr11-119142565-A-C.
Other names: short protein forms E188D.
Identifiers: ClinVar variation 3996016 (VCV003996016.1).
Genomic context (GRCh38, chr11:119,271,855, plus strand): 5'-CTTTCCAAGTGGACTCTTTCAGGGAGACACATTTCGGATTACTAAAGCAGATGCTGCGGA[A>C]TTTTGGAGAAAAGCTTTTGGGGAAAAGTAAGTCTCAGAATAATGAATTTGAACTATGAAA-3'
Protein context (NP_005179.2, residues 178-198): TFRITKADAA[Glu188Asp]FWRKAFGEKT